The following is an entry in ClinVar:

NM_000474.4(TWIST1):c.134G>A (p.Ser45Asn)

Gene: TWIST1 (twist family bHLH transcription factor 1; minus strand). Cytogenetic location: 7p21.1.
Variant type: single nucleotide variant.
Coding change: c.134G>A on transcript NM_000474.4 (MANE Select); coding-DNA position 134, G replaced by A.
Protein change: p.Ser45Asn; replaces serine 45 with asparagine.
Molecular consequence: missense variant. On other transcripts: non-coding transcript variant (1).
Genome position (GRCh38, 1-based): chr7:19,117,188, C>T on the plus strand (G>A on the coding strand, the complement: TWIST1 is on the minus strand). VCF-style: chr7-19117188-C-T. GRCh37 (hg19) VCF-style: chr7-19156811-C-T.
Other names: short protein forms S45N.
Identifiers: ClinVar variation 1424097 (VCV001424097.7), dbSNP rs2522202, ClinGen allele CA367016071.

ClinVar aggregate classification (germline): Uncertain significance. Review status: criteria provided, multiple submitters, no conflicts (2 of 4 stars). 2 submissions from 2 submitters: Uncertain significance (2). Last evaluated 2025-05-29.

Conditions:
TWIST1-related craniosynostosis (CRS1). Also called: CRANIOSYNOSTOSIS 1. Identifiers: Orphanet 63440, MedGen C4551902, MONDO:0007399, OMIM 123100. Inheritance: Heterogenous inheritance pattern.
Saethre-Chotzen syndrome (SCS). Also called: ACROCEPHALY, SKULL ASYMMETRY, AND MILD SYNDACTYLY; ACS III; CHOTZEN SYNDROME. Identifiers: Orphanet 794, MedGen C0175699, MONDO:0007042, OMIM 101400.

Allele frequency attached by ClinVar (database versions not stated): TOPMed below 0.00001; gnomAD 0.00001.

Submissions (2):

Women's Health and Genetics/Laboratory Corporation of America, LabCorp
Classification: Uncertain significance. Last evaluated: 2025-05-29. Review status: criteria provided, single submitter. Criteria: LabCorp Variant Classification Summary - May 2015. Collection method: clinical testing. Allele origin: germline.
Comment: Variant summary: TWIST1 c.134G>A (p.Ser45Asn) results in a conservative amino acid change in the encoded protein sequence. Algorithms developed to predict the effect of missense changes on protein structure and function all suggest that this variant is likely to be tolerated. The frequency data for this variant in gnomAD is considered unreliable, as metrics indicate poor data quality at this position. To our knowledge, no occurrence of c.134G>A in individuals affected with TWIST1-Related Disorders and no experimental evidence demonstrating its impact on protein function have been reported. ClinVar contains an entry for this variant (Variation ID: 1424097). Based on the evidence outlined above, the variant was classified as uncertain significance.

Labcorp Genetics (formerly Invitae), Labcorp
Classification: Uncertain significance for TWIST1-related craniosynostosis; Saethre-Chotzen syndrome. Last evaluated: 2021-08-28. Review status: criteria provided, single submitter. Criteria: Invitae Variant Classification Sherloc (09022015). Collection method: clinical testing. Allele origin: germline.
Comment: Algorithms developed to predict the effect of missense changes on protein structure and function are either unavailable or do not agree on the potential impact of this missense change (SIFT: "Tolerated"; PolyPhen-2: "Not Available"; Align-GVGD: "Class C0"). This variant has not been reported in the literature in individuals affected with TWIST1-related conditions. The frequency data for this variant in the population databases is considered unreliable, as metrics indicate insufficient coverage at this position in the ExAC database. This sequence change replaces serine with asparagine at codon 45 of the TWIST1 protein (p.Ser45Asn). The serine residue is moderately conserved and there is a small physicochemical difference between serine and asparagine. In summary, the available evidence is currently insufficient to determine the role of this variant in disease. Therefore, it has been classified as a Variant of Uncertain Significance.